The following is an entry in ClinVar:

ClinVar aggregate classification (germline): Uncertain significance (1 of 4 stars; one submission).

Submission:

Labcorp Genetics (formerly Invitae), Labcorp
Classification: Uncertain significance. Last evaluated: 2023-01-30. Review status: criteria provided, single submitter. Criteria: Invitae Variant Classification Sherloc (09022015). Collection method: clinical testing. Allele origin: germline.
Comment: This sequence change replaces leucine, which is neutral and non-polar, with phenylalanine, which is neutral and non-polar, at codon 1577 of the SCN3A protein (p.Leu1577Phe). This variant is not present in population databases (gnomAD no frequency). This variant has not been reported in the literature in individuals affected with SCN3A-related conditions. Advanced modeling of protein sequence and biophysical properties (such as structural, functional, and spatial information, amino acid conservation, physicochemical variation, residue mobility, and thermodynamic stability) has been performed at Invitae for this missense variant, however the output from this modeling did not meet the statistical confidence thresholds required to predict the impact of this variant on SCN3A protein function. In summary, the available evidence is currently insufficient to determine the role of this variant in disease. Therefore, it has been classified as a Variant of Uncertain Significance.

NM_006922.4(SCN3A):c.4729C>T (p.Leu1577Phe)

Gene: SCN3A (sodium voltage-gated channel alpha subunit 3; minus strand). Cytogenetic location: 2q24.3.
Variant type: single nucleotide variant.
Coding change: c.4729C>T on transcript NM_006922.4 (MANE Select); coding-DNA position 4729, C replaced by T.
Protein change: p.Leu1577Phe; replaces leucine 1577 with phenylalanine.
Molecular consequence: missense variant.
Genome position (GRCh38, 1-based): chr2:165,092,332, G>A on the plus strand (C>T on the coding strand, the complement: SCN3A is on the minus strand). VCF-style: chr2-165092332-G-A. GRCh37 (hg19) VCF-style: chr2-165948842-G-A.
Other names: c.4582C>T, p.Leu1528Phe (NM_001081676.2, NM_001081677.2); short protein forms L1528F, L1577F.
Identifiers: ClinVar variation 2832944 (VCV002832944.3), dbSNP rs2468046826, ClinGen allele CA349018964.